The following is an entry in ClinVar:

ClinVar aggregate classification (germline): Uncertain significance. Review status: criteria provided, multiple submitters, no conflicts (2 of 4 stars). 2 submissions from 2 submitters: Uncertain significance (2). Last evaluated 2024-11-23.

Conditions:
Hereditary cancer-predisposing syndrome. Also called: Tumor predisposition; Hereditary Cancer Syndrome; Hereditary neoplastic syndrome; Neoplastic Syndromes, Hereditary. Identifiers: Orphanet 140162, MedGen C0027672, MeSH D009386, MONDO:0015356.
Neurofibromatosis, type 2 (SWNV). Also called: SCHWANNOMATOSIS, VESTIBULAR; NF2-Related Schwannomatosis; BILATERAL ACOUSTIC NEUROFIBROMATOSIS. Identifiers: Orphanet 637, MedGen C0027832, MONDO:0007039, OMIM 101000. Disease mechanism: loss of function.

Submissions (2):

Ambry Genetics
Classification: Uncertain significance for Hereditary cancer-predisposing syndrome. Last evaluated: 2024-11-23. Review status: criteria provided, single submitter. Criteria: Ambry Variant Classification Scheme 2023. Collection method: clinical testing. Allele origin: germline.
Comment: The p.A98D variant (also known as c.293C>A), located in coding exon 3 of the NF2 gene, results from a C to A substitution at nucleotide position 293. The alanine at codon 98 is replaced by aspartic acid, an amino acid with dissimilar properties. This amino acid position is conserved. In addition, this alteration is predicted to be deleterious by in silico analysis. Based on the available evidence, the clinical significance of this variant remains unclear.

Labcorp Genetics (formerly Invitae), Labcorp
Classification: Uncertain significance for Neurofibromatosis, type 2. Last evaluated: 2021-08-27. Review status: criteria provided, single submitter. Criteria: Invitae Variant Classification Sherloc (09022015). Collection method: clinical testing. Allele origin: germline.
Comment: This sequence change replaces alanine with aspartic acid at codon 98 of the NF2 protein (p.Ala98Asp). The alanine residue is highly conserved and there is a moderate physicochemical difference between alanine and aspartic acid. This variant is not present in population databases (ExAC no frequency). This variant has not been reported in the literature in individuals affected with NF2-related conditions. Algorithms developed to predict the effect of missense changes on protein structure and function (SIFT, PolyPhen-2, Align-GVGD) all suggest that this variant is likely to be disruptive. In summary, the available evidence is currently insufficient to determine the role of this variant in disease. Therefore, it has been classified as a Variant of Uncertain Significance.

NM_000268.4(NF2):c.293C>A (p.Ala98Asp)

Gene: NF2 (NF2, moesin-ezrin-radixin like (MERLIN) tumor suppressor; plus strand). Cytogenetic location: 22q12.2.
Variant type: single nucleotide variant.
Coding change: c.293C>A on transcript NM_000268.4 (MANE Select); coding-DNA position 293, C replaced by A.
Protein change: p.Ala98Asp; replaces alanine 98 with aspartic acid.
Molecular consequence: missense variant. On other transcripts: non-coding transcript variant (1), intron variant (3).
Genome position (GRCh38, 1-based): chr22:29,639,142, C>A. VCF-style: chr22-29639142-C-A. GRCh37 (hg19) VCF-style: chr22-30035131-C-A.
Other names: c.293C>A, p.Ala98Asp (NM_016418.5, NM_181825.3, NM_181832.3 and 1 more transcripts); c.167C>A, p.Ala56Asp (NM_181828.3); c.240+2266C>A (NM_181829.3); c.115-3060C>A (NM_181830.3, NM_181831.3); short protein forms A98D, A56D.
Identifiers: ClinVar variation 412202 (VCV000412202.7), dbSNP rs1060503668, ClinGen allele CA16616362.